The following is an entry in ClinVar:

NM_001943.5(DSG2):c.3171G>A (p.Leu1057=)

Genes: DSG2 (desmoglein 2; plus strand), DSG2-AS1 (DSG2 antisense RNA 1; minus strand). Cytogenetic location: 18q12.1.
Variant type: single nucleotide variant.
Coding change: c.3171G>A on transcript NM_001943.5 (MANE Select); coding-DNA position 3171, G replaced by A.
Protein change: p.Leu1057=; no amino-acid change (leucine 1057 retained).
Molecular consequence: synonymous variant.
Genome position (GRCh38, 1-based): chr18:31,546,557, G>A. VCF-style: chr18-31546557-G-A. GRCh37 (hg19) VCF-style: chr18-29126520-G-A.
Identifiers: ClinVar variation 697921 (VCV000697921.12), dbSNP rs376020729, ClinGen allele CA048022.

ClinVar aggregate classification (germline): Likely benign. Review status: criteria provided, multiple submitters, no conflicts (2 of 4 stars). 3 submissions from 3 submitters: Likely benign (3). Last evaluated 2025-09-11.

Conditions:
Cardiovascular phenotype. Identifiers: MedGen CN230736.
Arrhythmogenic right ventricular cardiomyopathy (ARVD). Also called: Arrhythmogenic cardiomyopathy; Cardiomyopathy, ARVC; Arrhythmogenic right ventricular dysplasia; Arrhythmogenic Right Ventricular Cardiomyopathy (ARVC). Identifiers: Orphanet 247, MedGen C0349788, MeSH D019571, MONDO:0016587. Disease mechanism: loss of function. Inheritance: Various modes of inheritance.
Arrhythmogenic right ventricular dysplasia 10. Also called: Arrhythmogenic Right Ventricular Dysplasia/Cardiomyopathy10; ARRHYTHMOGENIC RIGHT VENTRICULAR DYSPLASIA, FAMILIAL, 10; Arrhythmogenic right ventricular dysplasia/cardiomyopathy, type 10. Identifiers: MedGen C1857777, MONDO:0012434, OMIM 610193.

Allele frequency attached by ClinVar (database versions not stated): gnomAD exomes below 0.00001; ExAC 0.00001; TOPMed 0.00003; gnomAD 0.00004; ESP Exome Variant Server 0.00008.
gnomAD v4.1: 6 of 1,614,072 alleles (0.00037%); highest among the groups gnomAD compares: African/African-American, 0.008%; no homozygotes.

Submissions (3):

Labcorp Genetics (formerly Invitae), Labcorp
Classification: Likely benign for Arrhythmogenic right ventricular dysplasia 10. Last evaluated: 2025-09-11. Review status: criteria provided, single submitter. Criteria: Invitae Variant Classification Sherloc (09022015). Collection method: clinical testing. Allele origin: germline.

All of Us Research Program, National Institutes of Health
Classification: Likely benign for Arrhythmogenic right ventricular cardiomyopathy. Last evaluated: 2023-06-26. Review status: criteria provided, single submitter. Criteria: ACMG Guidelines, 2015. Collection method: clinical testing. Allele origin: germline. Inheritance: Autosomal dominant inheritance. Observed: 2 variant alleles, 2 heterozygotes.
Comment: This study involves interpretation of variants in research participants for the purpose of population health screening. Participant phenotype was not available at the time of variant classification. Additional details can be found in publication PMID: 35346344, PMCID: PMC8962531

Ambry Genetics
Classification: Likely benign for Cardiovascular phenotype. Last evaluated: 2019-10-20. Review status: criteria provided, single submitter. Criteria: Ambry Variant Classification Scheme 2023. Collection method: clinical testing. Allele origin: germline.